The following is an entry in ClinVar:

NM_014140.4(SMARCAL1):c.2161C>A (p.Leu721Met)

Gene: SMARCAL1 (SNF2 related chromatin remodeling annealing helicase 1; plus strand). Cytogenetic location: 2q35.
Variant type: single nucleotide variant.
Coding change: c.2161C>A on transcript NM_014140.4 (MANE Select); coding-DNA position 2161, C replaced by A.
Protein change: p.Leu721Met; replaces leucine 721 with methionine.
Molecular consequence: missense variant.
Genome position (GRCh38, 1-based): chr2:216,467,963, C>A. VCF-style: chr2-216467963-C-A. GRCh37 (hg19) VCF-style: chr2-217332686-C-A.
Other names: c.2161C>A, p.Leu721Met (NM_001127207.2); short protein forms L721M.
Identifiers: ClinVar variation 3693508 (VCV003693508.2).

ClinVar aggregate classification (germline): Uncertain significance (1 of 4 stars; one submission).

Conditions:
Schimke immuno-osseous dysplasia (SIOD). Also called: Schimke Immunoosseous Dysplasia. Identifiers: Orphanet 1830, MedGen C0877024, MONDO:0009458, OMIM 242900.

Submission:

Labcorp Genetics (formerly Invitae), Labcorp
Classification: Uncertain significance for Schimke immuno-osseous dysplasia. Last evaluated: 2024-11-14. Review status: criteria provided, single submitter. Criteria: Invitae Variant Classification Sherloc (09022015). Collection method: clinical testing. Allele origin: germline.
Comment: This sequence change replaces leucine, which is neutral and non-polar, with methionine, which is neutral and non-polar, at codon 721 of the SMARCAL1 protein (p.Leu721Met). This variant is not present in population databases (gnomAD no frequency). This variant has not been reported in the literature in individuals affected with SMARCAL1-related conditions. Invitae Evidence Modeling of protein sequence and biophysical properties (such as structural, functional, and spatial information, amino acid conservation, physicochemical variation, residue mobility, and thermodynamic stability) indicates that this missense variant is expected to disrupt SMARCAL1 protein function with a positive predictive value of 80%. In summary, the available evidence is currently insufficient to determine the role of this variant in disease. Therefore, it has been classified as a Variant of Uncertain Significance.